The following is an entry in ClinVar:

NM_000465.4(BARD1):c.1811-1G>C

Gene: BARD1 (BRCA1 associated RING domain 1; minus strand). Cytogenetic location: 2q35.
Variant type: single nucleotide variant.
Coding change: c.1811-1G>C on transcript NM_000465.4 (MANE Select); the canonical splice acceptor site of the intron before coding-DNA position 1811, G replaced by C.
Molecular consequence: splice acceptor variant. On other transcripts: intron variant (1).
Genome position (GRCh38, 1-based): chr2:214,745,160, C>G on the plus strand (G>C on the coding strand, the complement: BARD1 is on the minus strand). VCF-style: chr2-214745160-C-G. GRCh37 (hg19) VCF-style: chr2-215609884-C-G.
Other names: c.401-1G>C (NM_001282548.2); c.1754-1G>C (NM_001282543.2); c.458-1G>C (NM_001282545.2); c.365-14652G>C (NM_001282549.2).
Identifiers: ClinVar variation 950454 (VCV000950454.14), dbSNP rs879253952, ClinGen allele CA350452403.

ClinVar aggregate classification (germline): Conflicting classifications of pathogenicity. Review status: criteria provided, conflicting classifications (1 of 4 stars). 2 submissions from 2 submitters: Likely pathogenic (1); Uncertain significance (1). Last evaluated 2025-05-23.

Conditions:
Hereditary cancer-predisposing syndrome. Also called: Tumor predisposition; Hereditary neoplastic syndrome; Neoplastic Syndromes, Hereditary; Hereditary Cancer Syndrome. Identifiers: Orphanet 140162, MedGen C0027672, MeSH D009386, MONDO:0015356.
Familial cancer of breast. Also called: BREAST CANCER, FAMILIAL; Hereditary breast cancer; hereditary breast carcinoma. Identifiers: Orphanet 227535, MedGen C0346153, MONDO:0016419, OMIM 114480. Disease mechanism: loss of function.

Submissions (2):

Ambry Genetics
Classification: Uncertain significance for Hereditary cancer-predisposing syndrome. Last evaluated: 2025-05-23. Review status: criteria provided, single submitter. Criteria: Ambry Variant Classification Scheme 2023. Collection method: clinical testing. Allele origin: germline.
Comment: The c.1811-1G>C intronic variant results from a G to C substitution one nucleotide upstream from coding exon 9 of the BARD1 gene. Alterations that disrupt the canonical splice site are expected to result in aberrant splicing. In silico splice site analysis predicts that this alteration will weaken the native splice acceptor site and will result in the creation or strengthening of a novel splice acceptor site. The resulting transcript is predicted to be in-frame and is not expected to trigger nonsense-mediated mRNAdecay; however, direct evidence is insufficient at this time (Ambry internal data). The exact functional effect of the altered amino acid sequence is unknown. This nucleotide position is highly conserved in available vertebrate species. Since supporting evidence is limited at this time, the clinical significance of this alteration remains unclear.

Labcorp Genetics (formerly Invitae), Labcorp
Classification: Likely pathogenic for Familial cancer of breast. Last evaluated: 2019-08-03. Review status: criteria provided, single submitter. Criteria: Invitae Variant Classification Sherloc (09022015). Collection method: clinical testing. Allele origin: germline.
Comment: In summary, the currently available evidence indicates that the variant is pathogenic, but additional data are needed to prove that conclusively. Therefore, this variant has been classified as Likely Pathogenic. Donor and acceptor splice site variants typically lead to a loss of protein function (PMID: 16199547), and loss-of-function variants in BARD1 are known to be pathogenic (PMID: 20077502, 21344236). Algorithms developed to predict the effect of sequence changes on RNA splicing suggest that this variant may disrupt the consensus splice site, but this prediction has not been confirmed by published transcriptional studies. Disruption of this splice site has been observed in an individual with personal or family history of breast cancer (PMID: 29752822). This variant is not present in population databases (ExAC no frequency). This sequence change affects an acceptor splice site in intron 8 of the BARD1 gene. It is expected to disrupt RNA splicing and likely results in an absent or disrupted protein product.

Literature cited by the submitters: PubMed 16199547 (cited by Labcorp Genetics (formerly Invitae), Labcorp); PubMed 20077502 (cited by Labcorp Genetics (formerly Invitae), Labcorp); PubMed 21344236 (cited by Labcorp Genetics (formerly Invitae), Labcorp); PubMed 29752822 (cited by Labcorp Genetics (formerly Invitae), Labcorp).